The following is an entry in ClinVar:

ClinVar aggregate classification (germline): Benign. Review status: criteria provided, multiple submitters, no conflicts (2 of 4 stars). 2 submissions from 2 submitters: Benign (2). Last evaluated 2018-06-14.

Allele frequency attached by ClinVar (database versions not stated): 1000 Genomes Project 30x 0.16911; 1000 Genomes Project 0.17252; TOPMed 0.21578; gnomAD 0.21826 and 0.21911; gnomAD exomes 0.26131.
gnomAD v4.1: 364,700 of 1,420,416 alleles (26%); highest among the groups gnomAD compares: Middle Eastern, 33%; 49,810 homozygotes.

Submissions (2):

GeneDx
Classification: Benign. Last evaluated: 2018-06-14. Review status: criteria provided, single submitter. Criteria: GeneDx Variant Classification (06012015). Collection method: clinical testing. Allele origin: germline. Affected: yes.
Comment: This variant is considered likely benign or benign based on one or more of the following criteria: it is a conservative change, it occurs at a poorly conserved position in the protein, it is predicted to be benign by multiple in silico algorithms, and/or has population frequency not consistent with disease.

Breakthrough Genomics
Classification: Benign. Review status: criteria provided, single submitter. Criteria: ACMG Guidelines, 2015. Collection method: not provided. Allele origin: germline. Inheritance: Autosomal recessive inheritance. Affected: yes.

NM_006059.4(LAMC3):c.3070-97C>T

Gene: LAMC3 (laminin subunit gamma 3; plus strand). Cytogenetic location: 9q34.12.
Variant type: single nucleotide variant.
Coding change: c.3070-97C>T on transcript NM_006059.4 (MANE Select); 97 bases into the intron before coding-DNA position 3070, C replaced by T.
Molecular consequence: intron variant.
Genome position (GRCh38, 1-based): chr9:131,071,387, C>T. VCF-style: chr9-131071387-C-T. GRCh37 (hg19) VCF-style: chr9-133946774-C-T.
Identifiers: ClinVar variation 683003 (VCV000683003.2), dbSNP rs4740409, ClinGen allele CA16375461.